The following is an entry in ClinVar:

NM_000719.7(CACNA1C):c.182A>G (p.Gln61Arg)

Gene: CACNA1C (calcium voltage-gated channel subunit alpha1 C; plus strand). Cytogenetic location: 12p13.33.
Variant type: single nucleotide variant.
Coding change: c.182A>G on transcript NM_000719.7 (MANE Select); coding-DNA position 182, A replaced by G.
Protein change: p.Gln61Arg; replaces glutamine 61 with arginine.
Molecular consequence: missense variant.
Genome position (GRCh38, 1-based): chr12:2,115,356, A>G. VCF-style: chr12-2115356-A-G. GRCh37 (hg19) VCF-style: chr12-2224522-A-G.
Other names: c.182A>G, p.Gln61Arg (NM_001129827.2, NM_001129829.2, NM_001129830.3 and 19 more transcripts); short protein forms Q61R.
Identifiers: ClinVar variation 2079346 (VCV002079346.4), dbSNP rs2083416747, ClinGen allele CA383653099.

ClinVar aggregate classification (germline): Uncertain significance (1 of 4 stars; one submission).

Conditions:
Long QT syndrome (LQTS). Identifiers: MedGen C0023976, MeSH D008133, MONDO:0002442. Disease mechanism: loss of function. Inheritance: Various modes of inheritance.

Submission:

Labcorp Genetics (formerly Invitae), Labcorp
Classification: Uncertain significance for Long QT syndrome. Last evaluated: 2022-03-11. Review status: criteria provided, single submitter. Criteria: Invitae Variant Classification Sherloc (09022015). Collection method: clinical testing. Allele origin: germline.
Comment: Algorithms developed to predict the effect of missense changes on protein structure and function are either unavailable or do not agree on the potential impact of this missense change (SIFT: "Tolerated"; PolyPhen-2: "Probably Damaging"; Align-GVGD: "Class C0"). This variant has not been reported in the literature in individuals affected with CACNA1C-related conditions. This variant is not present in population databases (gnomAD no frequency). This sequence change replaces glutamine, which is neutral and polar, with arginine, which is basic and polar, at codon 61 of the CACNA1C protein (p.Gln61Arg). In summary, the available evidence is currently insufficient to determine the role of this variant in disease. Therefore, it has been classified as a Variant of Uncertain Significance.